The following is an entry in ClinVar:

ClinVar aggregate classification (germline): Pathogenic/Likely pathogenic. Review status: criteria provided, multiple submitters, no conflicts (2 of 4 stars). 4 submissions from 4 submitters: Pathogenic (2); Likely pathogenic (2). Last evaluated 2025-01-27.

Conditions:
CNGB1-related disorder. Also called: CNGB1-related condition.
Retinitis pigmentosa 45 (RP45). Identifiers: Orphanet 791, MedGen C3151066, MONDO:0013413, OMIM 613767.
Retinal dystrophy. Also called: Inherited retinal dystrophy. Identifiers: Orphanet 71862, MedGen C0854723, MeSH D058499, MONDO:0019118, HP:0000556.

Allele frequency attached by ClinVar (database versions not stated): gnomAD exomes below 0.00001.
gnomAD v4.1: 10 of 1,614,122 alleles (0.00062%); highest among the groups gnomAD compares: Non-Finnish European, 0.00059%; no homozygotes.

Submissions (4):

Labcorp Genetics (formerly Invitae), Labcorp
Classification: Pathogenic. Last evaluated: 2025-01-27. Review status: criteria provided, single submitter. Criteria: Invitae Variant Classification Sherloc (09022015). Collection method: clinical testing. Allele origin: germline.
Comment: This sequence change creates a premature translational stop signal (p.Tyr696*) in the CNGB1 gene. It is expected to result in an absent or disrupted protein product. Loss-of-function variants in CNGB1 are known to be pathogenic (PMID: 15557452, 24043777). This variant is present in population databases (no rsID available, gnomAD 0.0009%). This variant has not been reported in the literature in individuals affected with CNGB1-related conditions. ClinVar contains an entry for this variant (Variation ID: 866074). For these reasons, this variant has been classified as Pathogenic.

Fulgent Genetics
Classification: Likely pathogenic for Retinitis pigmentosa 45. Last evaluated: 2024-05-05. Review status: criteria provided, single submitter. Criteria: ACMG Guidelines, 2015. Collection method: clinical testing. Allele origin: germline.

Blueprint Genetics
Classification: Likely pathogenic for CNGB1-related disorders. Last evaluated: 2018-04-18. Review status: criteria provided, single submitter. Criteria: ACMG Guidelines, 2015. Collection method: clinical testing. Allele origin: germline. Affected: yes. Observed: 1 variant allele.

Institute of Human Genetics, Univ. Regensburg, Univ. Regensburg
Classification: Pathogenic for Retinal dystrophy. Last evaluated: 2017-01-01. Review status: criteria provided, single submitter. Criteria: ACMG Guidelines, 2015. Collection method: clinical testing. Allele origin: germline. Affected: yes.

Literature cited by the submitters: PubMed 15557452 (cited by Labcorp Genetics (formerly Invitae), Labcorp); PubMed 24043777 (cited by Labcorp Genetics (formerly Invitae), Labcorp); PubMed 31964843 (cited by Institute of Human Genetics, Univ. Regensburg, Univ. Regensburg).

NM_001297.5(CNGB1):c.2088C>G (p.Tyr696Ter)

Gene: CNGB1 (cyclic nucleotide gated channel subunit beta 1; minus strand). Cytogenetic location: 16q21.
Variant type: single nucleotide variant.
Coding change: c.2088C>G on transcript NM_001297.5 (MANE Select); coding-DNA position 2088, C replaced by G.
Protein change: p.Tyr696Ter; replaces tyrosine 696 with a stop codon.
Molecular consequence: nonsense.
Genome position (GRCh38, 1-based): chr16:57,917,346, G>C on the plus strand (C>G on the coding strand, the complement: CNGB1 is on the minus strand). VCF-style: chr16-57917346-G-C. GRCh37 (hg19) VCF-style: chr16-57951250-G-C.
Other names: c.2070C>G, p.Tyr690Ter (NM_001286130.2); short protein forms Y696*, Y690*.
Identifiers: ClinVar variation 866074 (VCV000866074.6), dbSNP rs1210263161, ClinGen allele CA396064234.